The following is an entry in ClinVar:

NM_000435.3(NOTCH3):c.5860G>A (p.Ala1954Thr)

Gene: NOTCH3 (notch receptor 3; minus strand). Cytogenetic location: 19p13.12.
Variant type: single nucleotide variant.
Coding change: c.5860G>A on transcript NM_000435.3 (MANE Select); coding-DNA position 5860, G replaced by A.
Protein change: p.Ala1954Thr; replaces alanine 1954 with threonine.
Molecular consequence: missense variant.
Genome position (GRCh38, 1-based): chr19:15,162,518, C>T on the plus strand (G>A on the coding strand, the complement: NOTCH3 is on the minus strand). VCF-style: chr19-15162518-C-T. GRCh37 (hg19) VCF-style: chr19-15273329-C-T.
Other names: short protein forms A1954T.
Identifiers: ClinVar variation 3032286 (VCV003032286.2), dbSNP rs2512612890, ClinGen allele CA404491409.
Genomic context (GRCh38, chr19:15,162,518, plus strand): 5'-GGCTCACCTTGCTATCCTGCATGTCCTTATTGGCTCCATTTTTGAGCAGGGCCAAAGTGG[C>T]TTCCACGTTGTTCACAGCCGCAGCCCAGTGTAAGGCTGATTTCCCTGGAGGATGAAGGGG-3'
Protein context (NP_000426.2, residues 1944-1964): HWAAAVNNVE[Ala1954Thr]TLALLKNGAN

ClinVar aggregate classification (germline): Uncertain significance (0 of 4 stars; one submission).

Conditions:
NOTCH3-related disorder. Also called: NOTCH3-related condition; NOTCH3-related disorders.

Allele frequency attached by ClinVar (database versions not stated): gnomAD exomes below 0.00001.
gnomAD v4.1: 1 of 1,614,018 alleles (0.000062%); highest among the groups gnomAD compares: Non-Finnish European, 0.000085%; no homozygotes.

Submission:

PreventionGenetics, part of Exact Sciences
Classification: Uncertain significance for NOTCH3-related condition. Last evaluated: 2023-10-23. Review status: no assertion criteria provided. Collection method: clinical testing. Allele origin: germline.
Comment: The NOTCH3 c.5860G>A variant is predicted to result in the amino acid substitution p.Ala1954Thr. To our knowledge, this variant has not been reported in the literature or in a large population database, indicating this variant is rare. At this time, the clinical significance of this variant is uncertain due to the absence of conclusive functional and genetic evidence.